The following is an entry in ClinVar:

NM_207346.3(TSEN54):c.285G>A (p.Ala95=)

Gene: TSEN54 (tRNA splicing endonuclease subunit 54; plus strand). Cytogenetic location: 17q25.1.
Variant type: single nucleotide variant.
Coding change: c.285G>A on transcript NM_207346.3 (MANE Select); coding-DNA position 285, G replaced by A.
Protein change: p.Ala95=; no amino-acid change (alanine 95 retained).
Molecular consequence: synonymous variant.
Genome position (GRCh38, 1-based): chr17:75,517,072, G>A. VCF-style: chr17-75517072-G-A. GRCh37 (hg19) VCF-style: chr17-73513153-G-A.
Identifiers: ClinVar variation 4796856 (VCV004796856.1).

ClinVar aggregate classification (germline): Uncertain significance (1 of 4 stars; one submission).

gnomAD v4.1: 1 of 1,594,364 alleles (0.000063%); highest among the groups gnomAD compares: Non-Finnish European, 0.000085%; no homozygotes.

Submission:

Labcorp Genetics (formerly Invitae), Labcorp
Classification: Uncertain significance. Last evaluated: 2025-04-09. Review status: criteria provided, single submitter. Criteria: Invitae Variant Classification Sherloc (09022015). Collection method: clinical testing. Allele origin: germline.
Comment: This sequence change affects codon 95 of the TSEN54 mRNA. It is a 'silent' change, meaning that it does not change the encoded amino acid sequence of the TSEN54 protein. This variant also falls at the last nucleotide of exon 3, which is part of the consensus splice site for this exon. This variant is not present in population databases (gnomAD no frequency). This variant has not been reported in the literature in individuals affected with TSEN54-related conditions. Variants that disrupt the consensus splice site are a relatively common cause of aberrant splicing (PMID: 17576681, 9536098). Algorithms developed to predict the effect of sequence changes on RNA splicing suggest that this variant may disrupt the consensus splice site. In summary, the available evidence is currently insufficient to determine the role of this variant in disease. Therefore, it has been classified as a Variant of Uncertain Significance.

Literature cited by the submitters: PubMed 17576681; PubMed 9536098.